The following is an entry in ClinVar:

ClinVar aggregate classification (germline): Pathogenic/Likely pathogenic. Review status: criteria provided, multiple submitters, no conflicts (2 of 4 stars). 3 submissions from 3 submitters: Pathogenic (2); Likely pathogenic (1). Last evaluated 2023-11-03.

Conditions:
Cardiovascular phenotype. Identifiers: MedGen CN230736.
Alstrom syndrome (ALMS). Identifiers: Orphanet 64, MedGen C0268425, MONDO:0008763, OMIM 203800.

Allele frequency attached by ClinVar (database versions not stated): TOPMed below 0.00001; gnomAD 0.00001.

Submissions (3):

Labcorp Genetics (formerly Invitae), Labcorp
Classification: Pathogenic for Alstrom syndrome. Last evaluated: 2023-11-03. Review status: criteria provided, single submitter. Criteria: Invitae Variant Classification Sherloc (09022015). Collection method: clinical testing. Allele origin: germline.
Comment: This sequence change creates a premature translational stop signal (p.Arg2793Glufs*21) in the ALMS1 gene. It is expected to result in an absent or disrupted protein product. Loss-of-function variants in ALMS1 are known to be pathogenic (PMID: 17594715). This variant is not present in population databases (gnomAD no frequency). This variant has not been reported in the literature in individuals affected with ALMS1-related conditions. ClinVar contains an entry for this variant (Variation ID: 2504058). For these reasons, this variant has been classified as Pathogenic.

Ambry Genetics
Classification: Pathogenic for Cardiovascular phenotype. Last evaluated: 2023-04-17. Review status: criteria provided, single submitter. Criteria: Ambry Variant Classification Scheme 2023. Collection method: clinical testing. Allele origin: germline.
Comment: The c.8377delA variant, located in coding exon 10 of the ALMS1 gene, results from a deletion of one nucleotide at nucleotide position 8377, causing a translational frameshift with a predicted alternate stop codon (p.R2793Efs*21). This variant is considered to be rare based on population cohorts in the Genome Aggregation Database (gnomAD). This alteration is expected to result in loss of function by premature protein truncation or nonsense-mediated mRNA decay. As such, this alteration is interpreted as a disease-causing mutation.

Women's Health and Genetics/Laboratory Corporation of America, LabCorp
Classification: Likely pathogenic for Alstrom syndrome. Last evaluated: 2023-04-04. Review status: criteria provided, single submitter. Criteria: LabCorp Variant Classification Summary - May 2015. Collection method: clinical testing. Allele origin: germline.
Comment: Variant summary: ALMS1 c.8371delA/p.Arg2791GlufsX21(also known as c.8377delA/p.Arg2793GlufsX21 in Refseq) results in a premature termination codon, predicted to cause a truncation of the encoded protein or absence of the protein due to nonsense mediated decay, which are commonly known mechanisms for disease. Truncations downstream of this position have been classified as pathogenic by our laboratory. The variant was absent in 247990 control chromosomes. To our knowledge, no occurrence of c.8371delA in individuals affected with Alstrom Syndrome and no experimental evidence demonstrating its impact on protein function have been reported. No clinical diagnostic laboratories have submitted clinical-significance assessments for this variant to ClinVar after 2014. Based on the evidence outlined above, the variant was classified as likely pathogenic.

Literature cited by the submitters: PubMed 17594715 (cited by Labcorp Genetics (formerly Invitae), Labcorp).

NM_001378454.1(ALMS1):c.8374del (p.Arg2792fs)

Gene: ALMS1 (ALMS1 centrosome and basal body associated protein; plus strand). Cytogenetic location: 2p13.1.
Variant type: Deletion.
Coding change: c.8374del on transcript NM_001378454.1 (MANE Select); coding-DNA position 8374, one base deleted (A; older notation c.8374delA).
Protein change: p.Arg2792fs; shifts the reading frame from arginine 2792.
Molecular consequence: frameshift variant.
Genome position (GRCh38, 1-based): chr2:73,490,333, A deleted. VCF-style (leftmost placement, unchanged base first): chr2-73490332-TA-T. GRCh37 (hg19) VCF-style: chr2-73717459-TA-T.
Other names: c.8377del, p.Arg2793fs (NM_015120.4); c.8377delA (NM_015120.4); short protein forms R2792fs, R2793fs.
Identifiers: ClinVar variation 2504058 (VCV002504058.6), dbSNP rs1457913004, ClinGen allele CA892866408.